The following is an entry in ClinVar:

NM_001378454.1(ALMS1):c.10226C>T (p.Ala3409Val)

Gene: ALMS1 (ALMS1 centrosome and basal body associated protein; plus strand). Cytogenetic location: 2p13.1.
Variant type: single nucleotide variant.
Coding change: c.10226C>T on transcript NM_001378454.1 (MANE Select); coding-DNA position 10226, C replaced by T.
Protein change: p.Ala3409Val; replaces alanine 3409 with valine.
Molecular consequence: missense variant.
Genome position (GRCh38, 1-based): chr2:73,558,984, C>T. VCF-style: chr2-73558984-C-T. GRCh37 (hg19) VCF-style: chr2-73786111-C-T.
Other names: c.10229C>T, p.Ala3410Val (NM_015120.4); short protein forms A3410V, A3409V.
Identifiers: ClinVar variation 3701117 (VCV003701117.2).

ClinVar aggregate classification (germline): Uncertain significance (1 of 4 stars; one submission).

Conditions:
Alstrom syndrome (ALMS). Identifiers: Orphanet 64, MedGen C0268425, MONDO:0008763, OMIM 203800.

gnomAD v4.1: 2 of 1,613,868 alleles (0.00012%); highest among the groups gnomAD compares: Admixed American, 0.0017%; no homozygotes.

Submission:

Labcorp Genetics (formerly Invitae), Labcorp
Classification: Uncertain significance for Alstrom syndrome. Last evaluated: 2024-11-05. Review status: criteria provided, single submitter. Criteria: Invitae Variant Classification Sherloc (09022015). Collection method: clinical testing. Allele origin: germline.
Comment: This sequence change replaces alanine, which is neutral and non-polar, with valine, which is neutral and non-polar, at codon 3410 of the ALMS1 protein (p.Ala3410Val). This variant is not present in population databases (gnomAD no frequency). This variant has not been reported in the literature in individuals affected with ALMS1-related conditions. Experimental studies and prediction algorithms are not available or were not evaluated, and the functional significance of this variant is currently unknown. In summary, the available evidence is currently insufficient to determine the role of this variant in disease. Therefore, it has been classified as a Variant of Uncertain Significance.